The following is an entry in ClinVar:

NM_005631.5(SMO):c.384C>T (p.Ala128=)

Gene: SMO (smoothened, frizzled class receptor; plus strand). Cytogenetic location: 7q32.1.
Variant type: single nucleotide variant.
Coding change: c.384C>T on transcript NM_005631.5 (MANE Select); coding-DNA position 384, C replaced by T.
Protein change: p.Ala128=; no amino-acid change (alanine 128 retained).
Molecular consequence: synonymous variant.
Genome position (GRCh38, 1-based): chr7:129,203,436, C>T. VCF-style: chr7-129203436-C-T. GRCh37 (hg19) VCF-style: chr7-128843277-C-T.
Identifiers: ClinVar variation 1217539 (VCV001217539.28), dbSNP rs45571737, ClinGen allele CA4479084.

ClinVar aggregate classification (germline): Benign/Likely benign. Review status: criteria provided, multiple submitters, no conflicts (2 of 4 stars). 3 submissions from 3 submitters: Benign (1); Likely benign (2). Last evaluated 2026-09-01.

Allele frequency attached by ClinVar (database versions not stated): gnomAD exomes 0.00941; ExAC 0.01688; 1000 Genomes Project 0.00399; 1000 Genomes Project 30x 0.00406; TOPMed 0.00877; ESP Exome Variant Server 0.00888; gnomAD 0.00913 and 0.00916.

Submissions (3):

CeGaT Center for Human Genetics Tuebingen
Classification: Benign. Last evaluated: 2026-09-01. Review status: criteria provided, single submitter. Criteria: CeGaT Center For Human Genetics Tuebingen Variant Classification Criteria Version 2. Collection method: clinical testing. Allele origin: germline. Affected: yes. Observed: 14 variant alleles.
Comment: SMO: BP4, BP7, BS1, BS2

GeneDx
Classification: Likely benign. Last evaluated: 2020-09-15. Review status: criteria provided, single submitter. Criteria: GeneDx Variant Classification Process June 2021. Collection method: clinical testing. Allele origin: germline. Affected: yes.

Breakthrough Genomics
Classification: Likely benign. Review status: criteria provided, single submitter. Criteria: ACMG Guidelines, 2015. Collection method: not provided. Allele origin: germline. Inheritance: Autosomal recessive inheritance. Affected: yes.